The following is an entry in ClinVar:

ClinVar aggregate classification (germline): Uncertain significance (1 of 4 stars; one submission).

Conditions:
Malignant hyperthermia, susceptibility to, 1 (MHS1). Also called: RYR1-Related Malignant Hyperthermia Susceptibility; Malignant hyperthermia suceptibility 1; Anesthesia related hyperthermia; Malignant hyperpyrexia; Fulminating hyperpyrexia; Pharmacogenic myopathy. Identifiers: Orphanet 423, MedGen C2930980, MONDO:0007783, OMIM 145600.

gnomAD v4.1: 4 of 1,613,478 alleles (0.00025%); highest among the groups gnomAD compares: East Asian, 0.0067%; no homozygotes.

Submission:

Color Diagnostics, LLC DBA Color Health
Classification: Uncertain significance for Malignant hyperthermia, susceptibility to, 1. Last evaluated: 2025-09-05. Review status: criteria provided, single submitter. Criteria: ACMG Guidelines, 2015. Collection method: clinical testing. Allele origin: germline.
Comment: This variant is located in the RYR1 protein. To our knowledge, functional studies have not been reported for this variant. This variant has not been reported in individuals affected with RYR1-related disorders in the literature. This variant has been identified in 1/247676 chromosomes in the general population by the Genome Aggregation Database (gnomAD). The available evidence is insufficient to determine the role of this variant in disease conclusively. Therefore, this variant is classified as a Variant of Uncertain Significance.

NM_000540.3(RYR1):c.9693G>C (p.Gly3231=)

Gene: RYR1 (ryanodine receptor 1; plus strand). Cytogenetic location: 19q13.2.
Variant type: single nucleotide variant.
Coding change: c.9693G>C on transcript NM_000540.3 (MANE Select); coding-DNA position 9693, G replaced by C.
Protein change: p.Gly3231=; no amino-acid change (glycine 3231 retained).
Molecular consequence: synonymous variant.
Genome position (GRCh38, 1-based): chr19:38,517,366, G>C. VCF-style: chr19-38517366-G-C. GRCh37 (hg19) VCF-style: chr19-39008006-G-C.
Other names: c.9693G>C, p.Gly3231= (NM_001042723.2).
Identifiers: ClinVar variation 4757779 (VCV004757779.1).